The following is an entry in ClinVar:

ClinVar aggregate classification (germline): Pathogenic. Review status: criteria provided, multiple submitters, no conflicts (2 of 4 stars). 3 submissions from 3 submitters: Pathogenic (2). 1 of the submissions does not count toward it. Last evaluated 2024-10-29.

Conditions:
LHCGR-related disorder. Also called: LHCGR-related condition.
Gonadotropin-independent familial sexual precocity. Also called: Familial male-limited precocious puberty; TESTOTOXICOSIS, FAMILIAL. Identifiers: Orphanet 3000, MedGen C0342549, MONDO:0008303, OMIM 176410.

Submissions (3):

PreventionGenetics, part of Exact Sciences
Classification: Pathogenic for LHCGR-related condition. Last evaluated: 2024-10-29. Review status: criteria provided, single submitter. Criteria: ACMG Guidelines, 2015. Collection method: clinical testing. Allele origin: germline.
Comment: The LHCGR c.1624A>C variant is predicted to result in the amino acid substitution p.Ile542Leu. This variant has been reported in multiple individuals from unrelated families with male precocious puberty (Laue et al. 1995. PubMed ID: 7892197; Kooij CD et al 2022. PubMed ID: 36071555). In vitro functional studies showed that this variant has increased constitutive activity compared to wild-type LHCGR and appeared ligand-unresponsive (Laue et al. 1995. PubMed ID: 7892197). This variant has not been reported in a large population database, indicating this variant is rare. This variant is interpreted as pathogenic.

Labcorp Genetics (formerly Invitae), Labcorp
Classification: Pathogenic. Last evaluated: 2024-01-09. Review status: criteria provided, single submitter. Criteria: Invitae Variant Classification Sherloc (09022015). Collection method: clinical testing. Allele origin: germline.
Comment: This sequence change replaces isoleucine, which is neutral and non-polar, with leucine, which is neutral and non-polar, at codon 542 of the LHCGR protein (p.Ile542Leu). This variant is not present in population databases (gnomAD no frequency). This missense change has been observed in individual(s) with clinical features of familial male precocious puberty (PMID: 7892197, 16684832). In at least one individual the variant was observed to be de novo. ClinVar contains an entry for this variant (Variation ID: 14402). Advanced modeling of protein sequence and biophysical properties (such as structural, functional, and spatial information, amino acid conservation, physicochemical variation, residue mobility, and thermodynamic stability) performed at Invitae indicates that this missense variant is not expected to disrupt LHCGR protein function with a negative predictive value of 80%. Experimental studies have shown that this missense change affects LHCGR function (PMID: 7892197). For these reasons, this variant has been classified as Pathogenic.

OMIM
Classification: Pathogenic for PRECOCIOUS PUBERTY, MALE-LIMITED. Last evaluated: 1995-03-14. Review status: no assertion criteria provided. Collection method: literature only. Allele origin: germline. Not counted in ClinVar's aggregate classification.

Literature cited by the submitters: PubMed 7892197 (cited by Labcorp Genetics (formerly Invitae), Labcorp and OMIM); PubMed 16684832 (cited by Labcorp Genetics (formerly Invitae), Labcorp); Kremer, H., Martens, J. W. M., van Reen, M., Verhoef-Post, M., Wit, J. M., Otten, B. J., Drop, S. L. S., Delemarre-van de Waal, H. A., Pombo-Arias, M., De Luca, F., Potau, N., Buckler, J. M. H., and 9 others A limited repertoire of mutations of the luteinizing hormone (LH) receptor gene in familial and sporadic patients with male LH-independent precocious puberty. J. Clin. Endocr. Metab. 84: 1136-1140, 1999. (cited by OMIM).

NM_000233.4(LHCGR):c.1624A>C (p.Ile542Leu)

Genes: LHCGR (luteinizing hormone/choriogonadotropin receptor; minus strand), STON1-GTF2A1L (STON1-GTF2A1L readthrough; plus strand). Cytogenetic location: 2p16.3.
Variant type: single nucleotide variant.
Coding change: c.1624A>C on transcript NM_000233.4 (MANE Select); coding-DNA position 1624, A replaced by C.
Protein change: p.Ile542Leu; replaces isoleucine 542 with leucine.
Molecular consequence: missense variant. On other transcripts: intron variant (1).
Genome position (GRCh38, 1-based): chr2:48,688,173, T>G on the plus strand (A>C on the coding strand, the complement: LHCGR is on the minus strand). VCF-style: chr2-48688173-T-G. GRCh37 (hg19) VCF-style: chr2-48915312-T-G.
Other names: c.3441+16493T>G (NM_001198593.2); short protein forms I542L.
Identifiers: ClinVar variation 14402 (VCV000014402.10), dbSNP rs121912531, ClinGen allele CA123929.